The following is an entry in ClinVar:

ClinVar aggregate classification (germline): Uncertain significance (1 of 4 stars; one submission).

Submission:

Labcorp Genetics (formerly Invitae), Labcorp
Classification: Uncertain significance. Last evaluated: 2022-09-16. Review status: criteria provided, single submitter. Criteria: Invitae Variant Classification Sherloc (09022015). Collection method: clinical testing. Allele origin: germline.
Comment: In summary, the available evidence is currently insufficient to determine the role of this variant in disease. Therefore, it has been classified as a Variant of Uncertain Significance. Advanced modeling of protein sequence and biophysical properties (such as structural, functional, and spatial information, amino acid conservation, physicochemical variation, residue mobility, and thermodynamic stability) performed at Invitae indicates that this missense variant is not expected to disrupt COL11A2 protein function. This variant has not been reported in the literature in individuals affected with COL11A2-related conditions. This variant is not present in population databases (gnomAD no frequency). This sequence change replaces proline, which is neutral and non-polar, with leucine, which is neutral and non-polar, at codon 1182 of the COL11A2 protein (p.Pro1182Leu).

NM_080680.3(COL11A2):c.3545C>T (p.Pro1182Leu)

Gene: COL11A2 (collagen type XI alpha 2 chain; minus strand). Cytogenetic location: 6p21.32.
Variant type: single nucleotide variant.
Coding change: c.3545C>T on transcript NM_080680.3 (MANE Select); coding-DNA position 3545, C replaced by T.
Protein change: p.Pro1182Leu; replaces proline 1182 with leucine.
Molecular consequence: missense variant.
Genome position (GRCh38, 1-based): chr6:33,170,363, G>A on the plus strand (C>T on the coding strand, the complement: COL11A2 is on the minus strand). VCF-style: chr6-33170363-G-A. GRCh37 (hg19) VCF-style: chr6-33138140-G-A.
Other names: c.3224C>T, p.Pro1075Leu (NM_080679.3); c.3287C>T, p.Pro1096Leu (NM_080681.3); short protein forms P1096L, P1075L, P1182L.
Identifiers: ClinVar variation 1981915 (VCV001981915.4), dbSNP rs1411737210, ClinGen allele CA363629754.